The following is an entry in ClinVar:

NM_000440.3(PDE6A):c.163A>C (p.Met55Leu)

Gene: PDE6A (phosphodiesterase 6A; minus strand). Cytogenetic location: 5q32.
Variant type: single nucleotide variant.
Coding change: c.163A>C on transcript NM_000440.3 (MANE Select); coding-DNA position 163, A replaced by C.
Protein change: p.Met55Leu; replaces methionine 55 with leucine.
Molecular consequence: missense variant.
Genome position (GRCh38, 1-based): chr5:149,944,511, T>G on the plus strand (A>C on the coding strand, the complement: PDE6A is on the minus strand). VCF-style: chr5-149944511-T-G. GRCh37 (hg19) VCF-style: chr5-149324074-T-G.
Other names: short protein forms M55L.
Identifiers: ClinVar variation 1351693 (VCV001351693.6), dbSNP rs1446146122, ClinGen allele CA361701172.
Genomic context (GRCh38, chr5:149,944,511, plus strand): 5'-CTGTCTGTAAATTCTCCTGAAAGTCCCGCAGGAGATCAAAGATGATTTCGCTCTCCTCCA[T>G]GCTGCTCGGGGAGTGGTAGTTGCTGAAGTCCACGGCAGCCTCCTTGGCCCCAAGGAGGTC-3'
Protein context (NP_000431.2, residues 45-65): DFSNYHSPSS[Met55Leu]EESEIIFDLL

ClinVar aggregate classification (germline): Uncertain significance (1 of 4 stars; one submission).

Submission:

Labcorp Genetics (formerly Invitae), Labcorp
Classification: Uncertain significance. Last evaluated: 2022-03-09. Review status: criteria provided, single submitter. Criteria: Invitae Variant Classification Sherloc (09022015). Collection method: clinical testing. Allele origin: germline.
Comment: This sequence change replaces methionine, which is neutral and non-polar, with leucine, which is neutral and non-polar, at codon 55 of the PDE6A protein (p.Met55Leu). In summary, the available evidence is currently insufficient to determine the role of this variant in disease. Therefore, it has been classified as a Variant of Uncertain Significance. Algorithms developed to predict the effect of missense changes on protein structure and function (SIFT, PolyPhen-2, Align-GVGD) all suggest that this variant is likely to be tolerated. This variant has not been reported in the literature in individuals affected with PDE6A-related conditions. This variant is not present in population databases (gnomAD no frequency).